The following is an entry in ClinVar:

NM_020975.6(RET):c.2967G>T (p.Lys989Asn)

Gene: RET (ret proto-oncogene; plus strand). Cytogenetic location: 10q11.21.
Variant type: single nucleotide variant.
Coding change: c.2967G>T on transcript NM_020975.6 (MANE Select); coding-DNA position 2967, G replaced by T.
Protein change: p.Lys989Asn; replaces lysine 989 with asparagine.
Molecular consequence: missense variant.
Genome position (GRCh38, 1-based): chr10:43,124,910, G>T. VCF-style: chr10-43124910-G-T. GRCh37 (hg19) VCF-style: chr10-43620358-G-T.
Other names: c.2967G>T, p.Lys989Asn (NM_000323.2, NM_001406743.1, NM_001406744.1 and 4 more transcripts); c.2205G>T, p.Lys735Asn (NM_001355216.2); c.2838G>T, p.Lys946Asn (NM_001406761.1, NM_001406762.1, NM_001406764.1); c.2832G>T, p.Lys944Asn (NM_001406763.1, NM_001406765.1); c.2679G>T, p.Lys893Asn (NM_001406766.1, NM_001406767.1, NM_001406770.1); c.2703G>T, p.Lys901Asn (NM_001406768.1); c.2571G>T, p.Lys857Asn (NM_001406769.1, NM_001406772.1); c.2529G>T, p.Lys843Asn (NM_001406771.1, NM_001406773.1); and 10 more; short protein forms K989N, K735N, K506N, K554N, K659N, K893N, K944N, K645N.
Identifiers: ClinVar variation 1489884 (VCV001489884.11), dbSNP rs2133016421, ClinGen allele CA376558086.

ClinVar aggregate classification (germline): Uncertain significance. Review status: criteria provided, multiple submitters, no conflicts (2 of 4 stars). 3 submissions from 3 submitters: Uncertain significance (3). Last evaluated 2024-12-06.

Conditions:
Hereditary cancer-predisposing syndrome. Also called: Tumor predisposition; Hereditary neoplastic syndrome; Neoplastic Syndromes, Hereditary; Hereditary Cancer Syndrome. Identifiers: Orphanet 140162, MedGen C0027672, MeSH D009386, MONDO:0015356.
Multiple endocrine neoplasia, type 2 (MEN2). Identifiers: Orphanet 653, MedGen C4048306, MONDO:0019003. Disease mechanism: gain of function.
Hirschsprung disease, susceptibility to, 1 (HSCR1). Also called: RET-Related Hirschsprung Disease. Identifiers: Orphanet 388, MedGen C3888239, MONDO:0007723, OMIM 142623.

Submissions (3):

Ambry Genetics
Classification: Uncertain significance for Hereditary cancer-predisposing syndrome. Last evaluated: 2024-12-06. Review status: criteria provided, single submitter. Criteria: Ambry Variant Classification Scheme 2023. Collection method: clinical testing. Allele origin: germline.
Comment: The p.K989N variant (also known as c.2967G>T), located in coding exon 18 of the RET gene, results from a G to T substitution at nucleotide position 2967. The lysine at codon 989 is replaced by asparagine, an amino acid with similar properties. This amino acid position is highly conserved in available vertebrate species. In addition, this alteration is predicted to be tolerated by in silico analysis. Based on the available evidence, the clinical significance of this variant remains unclear.

Baylor Genetics
Classification: Uncertain significance for Hirschsprung disease, susceptibility to, 1. Last evaluated: 2024-03-04. Review status: criteria provided, single submitter. Criteria: ACMG Guidelines, 2015. Collection method: clinical testing. Allele origin: unknown.

Labcorp Genetics (formerly Invitae), Labcorp
Classification: Uncertain significance for Multiple endocrine neoplasia, type 2. Last evaluated: 2023-02-03. Review status: criteria provided, single submitter. Criteria: Invitae Variant Classification Sherloc (09022015). Collection method: clinical testing. Allele origin: germline.
Comment: This sequence change replaces lysine, which is basic and polar, with asparagine, which is neutral and polar, at codon 989 of the RET protein (p.Lys989Asn). This variant is not present in population databases (gnomAD no frequency). This variant has not been reported in the literature in individuals affected with RET-related conditions. ClinVar contains an entry for this variant (Variation ID: 1489884). Algorithms developed to predict the effect of missense changes on protein structure and function are either unavailable or do not agree on the potential impact of this missense change (SIFT: "Tolerated"; PolyPhen-2: "Possibly Damaging"; Align-GVGD: "Class C0"). In summary, the available evidence is currently insufficient to determine the role of this variant in disease. Therefore, it has been classified as a Variant of Uncertain Significance.